The following is an entry in ClinVar:

ClinVar aggregate classification (germline): Uncertain significance (1 of 4 stars; one submission).

gnomAD v4.1: 13 of 1,572,234 alleles (0.00083%); highest among the groups gnomAD compares: Non-Finnish European, 0.0011%; no homozygotes.

Submission:

Labcorp Genetics (formerly Invitae), Labcorp
Classification: Uncertain significance. Last evaluated: 2025-03-17. Review status: criteria provided, single submitter. Criteria: Invitae Variant Classification Sherloc (09022015). Collection method: clinical testing. Allele origin: germline.
Comment: This sequence change falls in intron 15 of the PLG gene. It does not directly change the encoded amino acid sequence of the PLG protein. It affects a nucleotide within the consensus splice site. This variant is not present in population databases (gnomAD no frequency). This variant has not been reported in the literature in individuals affected with PLG-related conditions. Variants that disrupt the consensus splice site are a relatively common cause of aberrant splicing (PMID: 17576681, 9536098). Algorithms developed to predict the effect of sequence changes on RNA splicing suggest that this variant may disrupt the consensus splice site. In summary, the available evidence is currently insufficient to determine the role of this variant in disease. Therefore, it has been classified as a Variant of Uncertain Significance.

Literature cited by the submitters: PubMed 17576681; PubMed 9536098.

NM_000301.5(PLG):c.1877+5G>A

Genes: PLG (plasminogen; plus strand), LOC126859861 (CDK7 strongly-dependent group 2 enhancer GRCh37_chr6:161158745-161159944; plus strand). Cytogenetic location: 6q26.
Variant type: single nucleotide variant.
Coding change: c.1877+5G>A on transcript NM_000301.5 (MANE Select); 5 bases into the intron after coding-DNA position 1877, G replaced by A.
Molecular consequence: intron variant.
Genome position (GRCh38, 1-based): chr6:160,738,617, G>A. VCF-style: chr6-160738617-G-A. GRCh37 (hg19) VCF-style: chr6-161159649-G-A.
Identifiers: ClinVar variation 4706474 (VCV004706474.1).
Genomic context (GRCh38, chr6:160,738,617, plus strand): 5'-GGAGGCACCTTGATATCCCCAGAGTGGGTGTTGACTGCTGCCCACTGCTTGGAGAAGTAT[G>A]TTTAGGGGACAATTGACATGAAGTCTTGTCTTAAATACTTTTTCTGTCCTTCTTTTCCTC-3'